The following is an entry in ClinVar:

NM_147127.5(EVC2):c.2046+11C>T

Gene: EVC2 (EvC ciliary complex subunit 2; minus strand). Cytogenetic location: 4p16.2.
Variant type: single nucleotide variant.
Coding change: c.2046+11C>T on transcript NM_147127.5 (MANE Select); 11 bases into the intron after coding-DNA position 2046, C replaced by T.
Molecular consequence: intron variant.
Genome position (GRCh38, 1-based): chr4:5,625,738, G>A on the plus strand (C>T on the coding strand, the complement: EVC2 is on the minus strand). VCF-style: chr4-5625738-G-A. GRCh37 (hg19) VCF-style: chr4-5627465-G-A.
Other names: c.1806+11C>T (NM_001166136.2).
Identifiers: ClinVar variation 3751566 (VCV003751566.2).
Genomic context (GRCh38, chr4:5,625,738, plus strand): 5'-ACAGTACCTGGCACTTGATGGGTATCAGAAAGTGCCTATGCAAAGAATAAATAGCATCAT[G>A]CCTTATATACCTTTTGTAGCAACTCTCGTCTTCTCTTAGTTATTAATTTTTGGTGGAGCT-3'

ClinVar aggregate classification (germline): Uncertain significance (1 of 4 stars; one submission).

Conditions:
Curry-Hall syndrome (WAD). Also called: WEYERS ACRODENTAL DYSOSTOSIS. Identifiers: Orphanet 952, MedGen C0457013, MONDO:0008673, OMIM 193530.
Ellis-van Creveld syndrome (EVC). Also called: EVC-Related Ellis-van Creveld Syndrome; EVC2-Related Ellis-van Creveld Syndrome; MESOECTODERMAL DYSPLASIA; Chondroectodermal dysplasia. Identifiers: Orphanet 289, MedGen C0013903, MONDO:0009162, OMIM 225500.

Submission:

Labcorp Genetics (formerly Invitae), Labcorp
Classification: Uncertain significance for Curry-Hall syndrome; Ellis-van Creveld syndrome. Last evaluated: 2025-10-21. Review status: criteria provided, single submitter. Criteria: Invitae Variant Classification Sherloc (09022015). Collection method: clinical testing. Allele origin: germline.
Comment: This sequence change falls in intron 13 of the EVC2 gene. It does not directly change the encoded amino acid sequence of the EVC2 protein. This variant is present in population databases (rs372113746, gnomAD 0.04%). This variant has not been reported in the literature in individuals affected with EVC2-related conditions. ClinVar contains an entry for this variant (Variation ID: 3751566). Algorithms developed to predict the effect of sequence changes on RNA splicing suggest that this variant may disrupt the consensus splice site. In summary, the available evidence is currently insufficient to determine the role of this variant in disease. Therefore, it has been classified as a Variant of Uncertain Significance.